The following is an entry in ClinVar:

NM_006715.4(MAN2C1):c.2597C>T (p.Ala866Val)

Genes: MAN2C1 (mannosidase alpha class 2C member 1; minus strand), NEIL1 (nei like DNA glycosylase 1; plus strand). Cytogenetic location: 15q24.2.
Variant type: single nucleotide variant.
Coding change: c.2597C>T on transcript NM_006715.4 (MANE Select); coding-DNA position 2597, C replaced by T.
Protein change: p.Ala866Val; replaces alanine 866 with valine.
Molecular consequence: missense variant. On other transcripts: 3 prime UTR variant (2), non-coding transcript variant (1).
Genome position (GRCh38, 1-based): chr15:75,356,853, G>A on the plus strand (C>T on the coding strand, the complement: MAN2C1 is on the minus strand). VCF-style: chr15-75356853-G-A. GRCh37 (hg19) VCF-style: chr15-75649194-G-A.
Other names: c.2648C>T, p.Ala883Val (NM_001256494.2); c.2597C>T, p.Ala866Val (NM_001256495.2); c.2300C>T, p.Ala767Val (NM_001256496.2); c.*1819G>A (NM_001352520.2, NM_024608.4); c.2648C>T (NM_001256494.1); short protein forms A866V, A883V, A767V.
Identifiers: ClinVar variation 2567622 (VCV002567622.4), dbSNP rs377575239, ClinGen allele CA7666154.

ClinVar aggregate classification (germline): Uncertain significance. Review status: criteria provided, multiple submitters, no conflicts (2 of 4 stars). 2 submissions from 2 submitters: Uncertain significance (2). Last evaluated 2025-11-12.

Conditions:
MAN2C1-related disorder. Also called: MAN2C1-related condition.

Allele frequency attached by ClinVar (database versions not stated): ExAC 0.00007; gnomAD exomes 0.00013; ESP Exome Variant Server 0.00015; TOPMed 0.00015; gnomAD 0.00017.
gnomAD v4.1: 221 of 1,614,038 alleles (0.014%); highest among the groups gnomAD compares: Admixed American, 0.022%; no homozygotes.

Submissions (2):

Ambry Genetics
Classification: Uncertain significance. Last evaluated: 2025-11-12. Review status: criteria provided, single submitter. Criteria: Ambry Variant Classification Scheme 2023. Collection method: clinical testing. Allele origin: germline.

PreventionGenetics, part of Exact Sciences
Classification: Uncertain significance for MAN2C1-related condition. Last evaluated: 2025-08-21. Review status: criteria provided, single submitter. Criteria: ACMG Guidelines, 2015. Collection method: clinical testing. Allele origin: germline.
Comment: The MAN2C1 c.2648C>T variant is predicted to result in the amino acid substitution p.Ala883Val. To our knowledge, this variant has not been reported in the literature. This variant is reported in 0.019% of alleles in individuals of European (Non-Finnish) descent in gnomAD. At this time, the clinical significance of this variant is uncertain due to the absence of conclusive functional and genetic evidence.